The following is an entry in ClinVar:

NM_001005242.3(PKP2):c.37A>C (p.Ile13Leu)

Gene: PKP2 (plakophilin 2; minus strand). Cytogenetic location: 12p11.21.
Variant type: single nucleotide variant.
Coding change: c.37A>C on transcript NM_001005242.3 (MANE Select); coding-DNA position 37, A replaced by C.
Protein change: p.Ile13Leu; replaces isoleucine 13 with leucine.
Molecular consequence: missense variant. On other transcripts: 5 prime UTR variant (4).
Genome position (GRCh38, 1-based): chr12:32,896,695, T>G on the plus strand (A>C on the coding strand, the complement: PKP2 is on the minus strand). VCF-style: chr12-32896695-T-G. GRCh37 (hg19) VCF-style: chr12-33049629-T-G.
Other names: c.37A>C, p.Ile13Leu (NM_001407155.1, NM_001407156.1, NM_001407157.1 and 2 more transcripts); c.-790A>C (NM_001407158.1, NM_001407162.1); c.-554A>C (NM_001407159.1, NM_001407160.1); short protein forms I13L.
Identifiers: ClinVar variation 3074729 (VCV003074729.1), dbSNP rs2541385099, ClinGen allele CA384371705.

ClinVar aggregate classification (germline): Uncertain significance (1 of 4 stars; one submission).

Conditions:
Arrhythmogenic right ventricular cardiomyopathy (ARVD). Also called: Arrhythmogenic right ventricular dysplasia; Cardiomyopathy, ARVC; Arrhythmogenic cardiomyopathy; Arrhythmogenic Right Ventricular Cardiomyopathy (ARVC). Identifiers: Orphanet 247, MedGen C0349788, MeSH D019571, MONDO:0016587. Disease mechanism: loss of function. Inheritance: Various modes of inheritance.

Submission:

All of Us Research Program, National Institutes of Health
Classification: Uncertain significance for Arrhythmogenic right ventricular cardiomyopathy. Last evaluated: 2023-12-13. Review status: criteria provided, single submitter. Criteria: ACMG Guidelines, 2015. Collection method: clinical testing. Allele origin: germline. Inheritance: Autosomal dominant inheritance. Observed: 1 variant allele, 1 heterozygote.
Comment: This missense variant replaces isoleucine with leucine at codon 13 of the PKP2 protein. Computational prediction suggests that this variant may not impact protein structure and function (internally defined REVEL score threshold <= 0.5, PMID: 27666373). To our knowledge, functional studies have not been reported for this variant. This variant has not been reported in individuals affected with PKP2-related disorders in the literature. This variant has not been identified in the general population by the Genome Aggregation Database (gnomAD). The available evidence is insufficient to determine the role of this variant in disease conclusively. Therefore, this variant is classified as a Variant of Uncertain Significance.

This study involves interpretation of variants in research participants for the purpose of population health screening. Participant phenotype was not available at the time of variant classification. Additional details can be found in publication PMID: 35346344, PMCID: PMC8962531